The following is an entry in ClinVar:

ClinVar aggregate classification (germline): Uncertain significance (1 of 4 stars; one submission).

Conditions:
Dilated cardiomyopathy 1G (CMD1G). Identifiers: Orphanet 154, MedGen C1858763, MONDO:0011400, OMIM 604145.
Autosomal recessive limb-girdle muscular dystrophy type 2J (LGMDR10). Also called: Limb-girdle muscular dystrophy, type 2J; MUSCULAR DYSTROPHY, LIMB-GIRDLE, AUTOSOMAL RECESSIVE 10. Identifiers: Orphanet 140922, MedGen C1837342, MONDO:0012127, OMIM 608807.

Allele frequency attached by ClinVar (database versions not stated): gnomAD exomes below 0.00001; ExAC 0.00001; gnomAD 0.00002 and 0.00003; TOPMed 0.00002; 1000 Genomes Project 0.00020; 1000 Genomes Project 30x 0.00031.
gnomAD v4.1: 7 of 1,613,984 alleles (0.00043%); highest among the groups gnomAD compares: African/African-American, 0.0093%; no homozygotes.

Submission:

Labcorp Genetics (formerly Invitae), Labcorp
Classification: Uncertain significance for Dilated cardiomyopathy 1G; Autosomal recessive limb-girdle muscular dystrophy type 2J. Last evaluated: 2023-01-22. Review status: criteria provided, single submitter. Criteria: Invitae Variant Classification Sherloc (09022015). Collection method: clinical testing. Allele origin: germline.
Comment: This sequence change replaces glutamic acid, which is acidic and polar, with lysine, which is basic and polar, at codon 34491 of the TTN protein (p.Glu34491Lys). This variant is present in population databases (rs556218739, gnomAD 0.008%). This variant has not been reported in the literature in individuals affected with TTN-related conditions. ClinVar contains an entry for this variant (Variation ID: 858583). Experimental studies and prediction algorithms are not available or were not evaluated, and the functional significance of this variant is currently unknown. This variant is located in the M band of TTN (PMID: 25589632). Variants in this region may be relevant for neuromuscular disorders, but have not been definitively shown to cause cardiomyopathy (PMID: 23975875). In summary, the available evidence is currently insufficient to determine the role of this variant in disease. Therefore, it has been classified as a Variant of Uncertain Significance.

Literature cited by the submitters: PubMed 25589632; PubMed 23975875.

NM_001267550.2(TTN):c.103471G>A (p.Glu34491Lys)

Genes: TTN (titin; minus strand), TTN-AS1 (TTN antisense RNA 1; plus strand). Cytogenetic location: 2q31.2.
Variant type: single nucleotide variant.
Coding change: c.103471G>A on transcript NM_001267550.2 (MANE Select); coding-DNA position 103471, G replaced by A.
Protein change: p.Glu34491Lys; replaces glutamic acid 34491 with lysine.
Molecular consequence: missense variant.
Genome position (GRCh38, 1-based): chr2:178,533,144, C>T on the plus strand (G>A on the coding strand, the complement: TTN is on the minus strand). VCF-style: chr2-178533144-C-T. GRCh37 (hg19) VCF-style: chr2-179397871-C-T.
Other names: c.98548G>A, p.Glu32850Lys (NM_001256850.1); c.76276G>A, p.Glu25426Lys (NM_003319.4); c.95767G>A, p.Glu31923Lys (NM_133378.4); c.76651G>A, p.Glu25551Lys (NM_133432.3); c.76852G>A, p.Glu25618Lys (NM_133437.4); short protein forms E25426K, E25618K, E32850K, E34491K, E25551K, E31923K.
Identifiers: ClinVar variation 858583 (VCV000858583.9), dbSNP rs556218739, ClinGen allele CA1985597.